The following is an entry in ClinVar:

ClinVar aggregate classification (germline): Uncertain significance (1 of 4 stars; one submission).

Conditions:
Glutamate pyruvate transaminase 2 deficiency (NEDSPM). Also called: Neurodevelopmental disorder with microcephaly and spastic paraplegia. Identifiers: Orphanet 477673, MedGen C4225388, MONDO:0014567, OMIM 616281.

Submission:

Victorian Clinical Genetics Services, Murdoch Childrens Research Institute
Classification: Uncertain significance for Glutamate pyruvate transaminase 2 deficiency. Last evaluated: 2020-05-26. Review status: criteria provided, single submitter. Criteria: ACMG Guidelines, 2015. Collection method: clinical testing. Allele origin: germline. Inheritance: Autosomal recessive inheritance. Affected: yes.
Comment: Based on the classification scheme VCGS_Germline_v1.1.1, this variant is classified as 3B-VUS. Following criteria are met: 0102 - Loss-of-function is a known mechanism of disease for this gene. (N) 0106 - This gene is known to be associated with autosomal recessive disease. (N) 0212 - Non-canonical splice variant without proven consequence on splicing (no functional evidence available) (intron 11). (P) 0251 - Variant is heterozygous. (N) 0301 - Variant is absent from gnomAD. (P) 0505 - Abnormal splicing is predicted by in silico tools. (P) 0705 - No comparable variants have previous evidence for pathogenicity. (N) 0807 - Variant has not previously been reported in a clinical context. (N) 0905 - No segregation evidence has been identified for this variant. (N) 1007 - No published functional evidence has been identified for this variant. (N) 1208 - Inheritance information for this variant is not currently available. (N) Legend: (P) - Pathogenic, (N) - Neutral, (B) - Benign

NM_133443.4(GPT2):c.1481+3del

Gene: GPT2 (glutamic--pyruvic transaminase 2; plus strand). Cytogenetic location: 16q11.2.
Variant type: Deletion.
Coding change: c.1481+3del on transcript NM_133443.4 (MANE Select); 3 bases into the intron after coding-DNA position 1481, one base deleted (A; older notation c.1481+3delA).
Molecular consequence: intron variant.
Genome position (GRCh38, 1-based): chr16:46,927,040, A deleted. VCF-style (leftmost placement, unchanged base first): chr16-46927039-TA-T. GRCh37 (hg19) VCF-style: chr16-46960951-TA-T.
Other names: c.1181+3del (NM_001142466.3).
Identifiers: ClinVar variation 1805491 (VCV001805491.1), dbSNP rs2548989823, ClinGen allele CA923726201.
Genomic context (GRCh38, chr16:46,927,039, plus strand): 5'-GGCATCTGTGTCGTGCCCGGCAGTGGCTTTGGGCAGAGGGAAGGCACTTACCACTTCAGG[TA>T]TGACTTCCTCTCCGCACTAGGGGCTGGTCCGGGTCTTGTCCAGGGAAATGTGGACTTCTT-3'